The following is an entry in ClinVar:

NM_004380.3(CREBBP):c.6974C>T (p.Pro2325Leu)

Gene: CREBBP (CREB binding lysine acetyltransferase; minus strand). Cytogenetic location: 16p13.3.
Variant type: single nucleotide variant.
Coding change: c.6974C>T on transcript NM_004380.3 (MANE Select); coding-DNA position 6974, C replaced by T.
Protein change: p.Pro2325Leu; replaces proline 2325 with leucine.
Molecular consequence: missense variant.
Genome position (GRCh38, 1-based): chr16:3,728,073, G>A on the plus strand (C>T on the coding strand, the complement: CREBBP is on the minus strand). VCF-style: chr16-3728073-G-A. GRCh37 (hg19) VCF-style: chr16-3778074-G-A.
Other names: c.6860C>T, p.Pro2287Leu (NM_001079846.1); short protein forms P2325L, P2287L.
Identifiers: ClinVar variation 4984759 (VCV004984759.1).

ClinVar aggregate classification (germline): Uncertain significance (1 of 4 stars; one submission).

Conditions:
CREBBP-related disorder. Also called: CREBBP-related disorders; CREBBP-related condition.

Submission:

PreventionGenetics, part of Exact Sciences
Classification: Uncertain significance for CREBBP-related condition. Last evaluated: 2026-06-30. Review status: criteria provided, single submitter. Criteria: ACMG Guidelines, 2015. Collection method: clinical testing. Allele origin: germline.
Comment: The CREBBP c.6974C>T variant is predicted to result in the amino acid substitution p.Pro2325Leu. To our knowledge, this variant has not been reported in the literature. This variant is reported in 0.0062% of alleles in individuals of African descent in gnomAD. At this time, the clinical significance of this variant is uncertain due to the absence of conclusive functional and genetic evidence.